The following is an entry in ClinVar:

NM_022834.5(VWA1):c.347C>T (p.Ala116Val)

Gene: VWA1 (von Willebrand factor A domain containing 1; plus strand). Cytogenetic location: 1p36.33.
Variant type: single nucleotide variant.
Coding change: c.347C>T on transcript NM_022834.5 (MANE Select); coding-DNA position 347, C replaced by T.
Protein change: p.Ala116Val; replaces alanine 116 with valine.
Molecular consequence: missense variant. On other transcripts: intron variant (1).
Genome position (GRCh38, 1-based): chr1:1,437,200, C>T. VCF-style: chr1-1437200-C-T. GRCh37 (hg19) VCF-style: chr1-1372580-C-T.
Other names: c.74-122C>T (NM_199121.3); short protein forms A116V.
Identifiers: ClinVar variation 4199695 (VCV004199695.3).

ClinVar aggregate classification (germline): Uncertain significance. Review status: criteria provided, multiple submitters, no conflicts (2 of 4 stars). 2 submissions from 2 submitters: Uncertain significance (2). Last evaluated 2026-03-17.

gnomAD v4.1: 50 of 1,611,566 alleles (0.0031%); highest among the groups gnomAD compares: Non-Finnish European, 0.004%; no homozygotes.

Submissions (2):

GeneDx
Classification: Uncertain significance. Last evaluated: 2026-03-17. Review status: criteria provided, single submitter. Criteria: GeneDx Variant Classification Process June 2021. Collection method: clinical testing. Allele origin: germline.
Comment: Not observed at significant frequency in large population cohorts (gnomAD); In silico analysis supports that this missense variant has a deleterious effect on protein structure/function; Has not been previously published as pathogenic or benign to our knowledge

Ambry Genetics
Classification: Uncertain significance. Last evaluated: 2025-08-04. Review status: criteria provided, single submitter. Criteria: Ambry Variant Classification Scheme 2023. Collection method: clinical testing. Allele origin: germline.